The following is an entry in ClinVar:

ClinVar aggregate classification (germline): Uncertain significance. Review status: criteria provided, multiple submitters, no conflicts (2 of 4 stars). 2 submissions from 2 submitters: Uncertain significance (2). Last evaluated 2024-08-19.

Allele frequency attached by ClinVar (database versions not stated): gnomAD exomes 0.00001 and 0.00003; gnomAD 0.00002 and 0.00003; TOPMed 0.00003; ExAC 0.00004; ESP Exome Variant Server 0.00008.
gnomAD v4.1: 25 of 1,613,922 alleles (0.0015%); highest among the groups gnomAD compares: Admixed American, 0.005%; no homozygotes.

Submissions (2):

Ambry Genetics
Classification: Uncertain significance. Last evaluated: 2024-08-19. Review status: criteria provided, single submitter. Criteria: Ambry Variant Classification Scheme 2023. Collection method: clinical testing. Allele origin: germline.

Labcorp Genetics (formerly Invitae), Labcorp
Classification: Uncertain significance. Last evaluated: 2022-02-10. Review status: criteria provided, single submitter. Criteria: Invitae Variant Classification Sherloc (09022015). Collection method: clinical testing. Allele origin: germline.
Comment: This sequence change replaces arginine, which is basic and polar, with glutamine, which is neutral and polar, at codon 1065 of the ADGRA3 protein (p.Arg1065Gln). This variant is present in population databases (rs144467569, gnomAD 0.006%). This variant has not been reported in the literature in individuals affected with ADGRA3-related conditions. Algorithms developed to predict the effect of missense changes on protein structure and function are either unavailable or do not agree on the potential impact of this missense change (SIFT: "Tolerated"; PolyPhen-2: "Probably Damaging"; Align-GVGD: "Class C0"). Algorithms developed to predict the effect of sequence changes on RNA splicing suggest that this variant may create or strengthen a splice site. In summary, the available evidence is currently insufficient to determine the role of this variant in disease. Therefore, it has been classified as a Variant of Uncertain Significance.

NM_145290.4(ADGRA3):c.3194G>A (p.Arg1065Gln)

Gene: ADGRA3 (adhesion G protein-coupled receptor A3; minus strand). Cytogenetic location: 4p15.2.
Variant type: single nucleotide variant.
Coding change: c.3194G>A on transcript NM_145290.4 (MANE Select); coding-DNA position 3194, G replaced by A.
Protein change: p.Arg1065Gln; replaces arginine 1065 with glutamine.
Molecular consequence: missense variant.
Genome position (GRCh38, 1-based): chr4:22,388,477, C>T on the plus strand (G>A on the coding strand, the complement: ADGRA3 is on the minus strand). VCF-style: chr4-22388477-C-T. GRCh37 (hg19) VCF-style: chr4-22390100-C-T.
Other names: c.3194G>A (NM_145290.2); short protein forms R1065Q.
Identifiers: ClinVar variation 1490960 (VCV001490960.9), dbSNP rs144467569, ClinGen allele CA2873425.
Genomic context (GRCh38, chr4:22,388,477, plus strand): 5'-TCTCCATTCGTCCCATTAGAGTTGGGGGGCTGGACGTTGACTTGCACTGAATACGAGCTC[C>T]GTCCTGGGCAGCAAGTCATGATCCACGCAAGTCTAACATCCTCCCTATTAACACAATGGT-3'
Protein context (NP_660333.2, residues 1055-1075): LAWIMTCCPG[Arg1065Gln]SSYSVQVNVQ